The following is an entry in ClinVar:

ClinVar aggregate classification (germline): Uncertain significance (1 of 4 stars; one submission).

Conditions:
Ehlers-Danlos syndrome, classic type, 1 (EDSCL1). Also called: EHLERS-DANLOS SYNDROME, GRAVIS TYPE; EHLERS-DANLOS SYNDROME, SEVERE CLASSIC TYPE; Ehlers-Danlos syndrome, type 1; Ehlers-Danlos Syndrome, Classic Type, COL5A1-Related; EDS I. Identifiers: MedGen C0268335, MONDO:0019567, OMIM 130000.
Osteogenesis imperfecta type I (OI1). Also called: OI, TYPE I; OSTEOGENESIS IMPERFECTA TARDA; OSTEOGENESIS IMPERFECTA WITH BLUE SCLERAE; Osteogenesis imperfecta type 1; Lobstein's Disease; Lobstein disease. Identifiers: Orphanet 216796, Orphanet 666, MedGen C0023931, MONDO:0008146, OMIM 166200. Disease mechanism: loss of function.

Submission:

Labcorp Genetics (formerly Invitae), Labcorp
Classification: Uncertain significance for Osteogenesis imperfecta type I; Ehlers-Danlos syndrome, classic type, 1. Last evaluated: 2024-03-28. Review status: criteria provided, single submitter. Criteria: Invitae Variant Classification Sherloc (09022015). Collection method: clinical testing. Allele origin: germline.
Comment: This sequence change replaces proline, which is neutral and non-polar, with threonine, which is neutral and polar, at codon 1088 of the COL1A2 protein (p.Pro1088Thr). This variant is not present in population databases (gnomAD no frequency). This variant has not been reported in the literature in individuals affected with COL1A2-related conditions. Advanced modeling of protein sequence and biophysical properties (such as structural, functional, and spatial information, amino acid conservation, physicochemical variation, residue mobility, and thermodynamic stability) has been performed at Invitae for this missense variant, however the output from this modeling did not meet the statistical confidence thresholds required to predict the impact of this variant on COL1A2 protein function. In summary, the available evidence is currently insufficient to determine the role of this variant in disease. Therefore, it has been classified as a Variant of Uncertain Significance.

NM_000089.4(COL1A2):c.3262C>A (p.Pro1088Thr)

Gene: COL1A2 (collagen type I alpha 2 chain; plus strand). Cytogenetic location: 7q21.3.
Variant type: single nucleotide variant.
Coding change: c.3262C>A on transcript NM_000089.4 (MANE Select); coding-DNA position 3262, C replaced by A.
Protein change: p.Pro1088Thr; replaces proline 1088 with threonine.
Molecular consequence: missense variant.
Genome position (GRCh38, 1-based): chr7:94,427,290, C>A. VCF-style: chr7-94427290-C-A. GRCh37 (hg19) VCF-style: chr7-94056602-C-A.
Other names: short protein forms P1088T.
Identifiers: ClinVar variation 3755403 (VCV003755403.2).